The following is an entry in ClinVar:

NM_004656.4(BAP1):c.1239C>G (p.Asn413Lys)

Gene: BAP1 (BRCA1 associated deubiquitinase 1; minus strand). Cytogenetic location: 3p21.1.
Variant type: single nucleotide variant.
Coding change: c.1239C>G on transcript NM_004656.4 (MANE Select); coding-DNA position 1239, C replaced by G.
Protein change: p.Asn413Lys; replaces asparagine 413 with lysine.
Molecular consequence: missense variant.
Genome position (GRCh38, 1-based): chr3:52,404,464, G>C on the plus strand (C>G on the coding strand, the complement: BAP1 is on the minus strand). VCF-style: chr3-52404464-G-C. GRCh37 (hg19) VCF-style: chr3-52438480-G-C.
Other names: c.1185C>G, p.Asn395Lys (NM_001410772.1); short protein forms N395K, N413K.
Identifiers: ClinVar variation 3224426 (VCV003224426.1), dbSNP rs376611344, ClinGen allele CA353102749.

ClinVar aggregate classification (germline): Uncertain significance (1 of 4 stars; one submission).

Conditions:
Hereditary cancer-predisposing syndrome. Also called: Tumor predisposition; Hereditary neoplastic syndrome; Hereditary Cancer Syndrome; Neoplastic Syndromes, Hereditary. Identifiers: Orphanet 140162, MedGen C0027672, MeSH D009386, MONDO:0015356.

Submission:

Ambry Genetics
Classification: Uncertain significance for Hereditary cancer-predisposing syndrome. Last evaluated: 2023-10-02. Review status: criteria provided, single submitter. Criteria: Ambry Variant Classification Scheme 2023. Collection method: clinical testing. Allele origin: germline.
Comment: The p.N413K variant (also known as c.1239C>G), located in coding exon 12 of the BAP1 gene, results from a C to G substitution at nucleotide position 1239. The asparagine at codon 413 is replaced by lysine, an amino acid with similar properties. This amino acid position is conserved. In addition, this alteration is predicted to be tolerated by in silico analysis. Since supporting evidence is limited at this time, the clinical significance of this alteration remains unclear.